The following is an entry in ClinVar:

ClinVar aggregate classification (germline): Uncertain significance (1 of 4 stars; one submission).

Conditions:
Supravalvar aortic stenosis (SVAS). Also called: Supravalvar aortic stenosis, Eisenberg type. Identifiers: Orphanet 3193, MedGen C0003499, MONDO:0008504, OMIM 185500, HP:0004381.

gnomAD v4.1: 2 of 1,613,554 alleles (0.00012%); highest among the groups gnomAD compares: Non-Finnish European, 0.000085%; no homozygotes.

Submission:

Labcorp Genetics (formerly Invitae), Labcorp
Classification: Uncertain significance for Supravalvar aortic stenosis. Last evaluated: 2025-01-13. Review status: criteria provided, single submitter. Criteria: Invitae Variant Classification Sherloc (09022015). Collection method: clinical testing. Allele origin: germline.
Comment: This sequence change replaces valine, which is neutral and non-polar, with methionine, which is neutral and non-polar, at codon 128 of the ELN protein (p.Val128Met). This variant is not present in population databases (gnomAD no frequency). This variant has not been reported in the literature in individuals affected with ELN-related conditions. Invitae Evidence Modeling of protein sequence and biophysical properties (such as structural, functional, and spatial information, amino acid conservation, physicochemical variation, residue mobility, and thermodynamic stability) indicates that this missense variant is not expected to disrupt ELN protein function with a negative predictive value of 80%. In summary, the available evidence is currently insufficient to determine the role of this variant in disease. Therefore, it has been classified as a Variant of Uncertain Significance.

NM_000501.4(ELN):c.382G>A (p.Val128Met)

Gene: ELN (elastin; plus strand). Cytogenetic location: 7q11.23.
Variant type: single nucleotide variant.
Coding change: c.382G>A on transcript NM_000501.4 (MANE Select); coding-DNA position 382, G replaced by A.
Protein change: p.Val128Met; replaces valine 128 with methionine.
Molecular consequence: missense variant.
Genome position (GRCh38, 1-based): chr7:74,043,123, G>A. VCF-style: chr7-74043123-G-A. GRCh37 (hg19) VCF-style: chr7-73457453-G-A.
Other names: c.352G>A, p.Val118Met (NM_001081752.3, NM_001278917.2, NM_001278918.2); c.397G>A, p.Val133Met (NM_001081753.3, NM_001081754.3); c.382G>A, p.Val128Met (NM_001081755.3, NM_001278912.2, NM_001278915.2 and 2 more transcripts); c.346G>A, p.Val116Met (NM_001278913.2); c.367G>A, p.Val123Met (NM_001278914.2); short protein forms V116M, V118M, V123M, V133M, V128M.
Identifiers: ClinVar variation 3674337 (VCV003674337.2).